The following is an entry in ClinVar:

ClinVar aggregate classification (germline): Uncertain significance (1 of 4 stars; one submission).

Conditions:
Hereditary cancer-predisposing syndrome. Also called: Neoplastic Syndromes, Hereditary; Tumor predisposition; Hereditary neoplastic syndrome; Hereditary Cancer Syndrome. Identifiers: Orphanet 140162, MedGen C0027672, MeSH D009386, MONDO:0015356.

Submission:

Ambry Genetics
Classification: Uncertain significance for Hereditary cancer-predisposing syndrome. Last evaluated: 2024-02-22. Review status: criteria provided, single submitter. Criteria: Ambry Variant Classification Scheme 2023. Collection method: clinical testing. Allele origin: germline.
Comment: The p.S63R variant (also known as c.187A>C), located in coding exon 3 of the POT1 gene, results from an A to C substitution at nucleotide position 187. The serine at codon 63 is replaced by arginine, an amino acid with dissimilar properties. This amino acid position is conserved. In addition, the in silico prediction for this alteration is inconclusive. Based on the available evidence, the clinical significance of this alteration remains unclear.

NM_015450.3(POT1):c.187A>C (p.Ser63Arg)

Gene: POT1 (protection of telomeres 1; minus strand). Cytogenetic location: 7q31.33.
Variant type: single nucleotide variant.
Coding change: c.187A>C on transcript NM_015450.3 (MANE Select); coding-DNA position 187, A replaced by C.
Protein change: p.Ser63Arg; replaces serine 63 with arginine.
Molecular consequence: missense variant. On other transcripts: non-coding transcript variant (3), intron variant (1).
Genome position (GRCh38, 1-based): chr7:124,870,979, T>G on the plus strand (A>C on the coding strand, the complement: POT1 is on the minus strand). VCF-style: chr7-124870979-T-G. GRCh37 (hg19) VCF-style: chr7-124511033-T-G.
Other names: c.-138-7339A>C (NM_001042594.2); short protein forms S63R.
Identifiers: ClinVar variation 3226667 (VCV003226667.1), dbSNP rs2485505016, ClinGen allele CA369061521.